The following is an entry in ClinVar:

NM_016111.4(TELO2):c.1589G>T (p.Arg530Leu)

Gene: TELO2 (telomere maintenance 2; plus strand). Cytogenetic location: 16p13.3.
Variant type: single nucleotide variant.
Coding change: c.1589G>T on transcript NM_016111.4 (MANE Select); coding-DNA position 1589, G replaced by T.
Protein change: p.Arg530Leu; replaces arginine 530 with leucine.
Molecular consequence: missense variant.
Genome position (GRCh38, 1-based): chr16:1,502,340, G>T. VCF-style: chr16-1502340-G-T. GRCh37 (hg19) VCF-style: chr16-1552341-G-T.
Other names: c.1589G>T, p.Arg530Leu (NM_001351846.2); c.1589G>T (NM_016111.3); short protein forms R530L.
Identifiers: ClinVar variation 2155780 (VCV002155780.3), dbSNP rs756795932, ClinGen allele CA7812227.

ClinVar aggregate classification (germline): Uncertain significance. Review status: criteria provided, multiple submitters, no conflicts (2 of 4 stars). 2 submissions from 2 submitters: Uncertain significance (2). Last evaluated 2025-01-18.

Conditions:
Inborn genetic diseases. Identifiers: MedGen C0950123, MeSH D030342.

gnomAD v4.1: 32 of 1,607,024 alleles (0.002%); highest among the groups gnomAD compares: Non-Finnish European, 0.0027%; no homozygotes.

Submissions (2):

Ambry Genetics
Classification: Uncertain significance for Inborn genetic diseases. Last evaluated: 2025-01-18. Review status: criteria provided, single submitter. Criteria: Ambry Variant Classification Scheme 2023. Collection method: clinical testing. Allele origin: germline.

Labcorp Genetics (formerly Invitae), Labcorp
Classification: Uncertain significance. Last evaluated: 2023-12-11. Review status: criteria provided, single submitter. Criteria: Invitae Variant Classification Sherloc (09022015). Collection method: clinical testing. Allele origin: germline.
Comment: This sequence change replaces arginine, which is basic and polar, with leucine, which is neutral and non-polar, at codon 530 of the TELO2 protein (p.Arg530Leu). The frequency data for this variant in the population databases is considered unreliable, as metrics indicate poor data quality at this position in the gnomAD database. This variant has not been reported in the literature in individuals affected with TELO2-related conditions. ClinVar contains an entry for this variant (Variation ID: 2155780). Advanced modeling of protein sequence and biophysical properties (such as structural, functional, and spatial information, amino acid conservation, physicochemical variation, residue mobility, and thermodynamic stability) performed at Invitae indicates that this missense variant is not expected to disrupt TELO2 protein function with a negative predictive value of 80%. In summary, the available evidence is currently insufficient to determine the role of this variant in disease. Therefore, it has been classified as a Variant of Uncertain Significance.